The following is an entry in ClinVar:

NM_001363711.2(DUOX2):c.4080G>A (p.Lys1360=)

Gene: DUOX2 (dual oxidase 2; minus strand). Cytogenetic location: 15q21.1.
Variant type: single nucleotide variant.
Coding change: c.4080G>A on transcript NM_001363711.2 (MANE Select); coding-DNA position 4080, G replaced by A.
Protein change: p.Lys1360=; no amino-acid change (lysine 1360 retained).
Molecular consequence: synonymous variant.
Genome position (GRCh38, 1-based): chr15:45,095,828, C>T on the plus strand (G>A on the coding strand, the complement: DUOX2 is on the minus strand). VCF-style: chr15-45095828-C-T. GRCh37 (hg19) VCF-style: chr15-45388026-C-T.
Other names: c.4080G>A, p.Lys1360= (NM_014080.5).
Identifiers: ClinVar variation 3907185 (VCV003907185.1).

ClinVar aggregate classification (germline): Uncertain significance (1 of 4 stars; one submission).

Submission:

Women's Health and Genetics/Laboratory Corporation of America, LabCorp
Classification: Uncertain significance. Last evaluated: 2025-06-27. Review status: criteria provided, single submitter. Criteria: LabCorp Variant Classification Summary - May 2015. Collection method: clinical testing. Allele origin: germline.
Comment: Variant summary: DUOX2 c.4080G>A (p.Lys1360Lys) alters a conserved nucleotide located close to a canonical splice site and therefore could affect mRNA splicing, leading to a significantly altered protein sequence. Several computational tools predict a significant impact on normal splicing: Three predict the variant abolishes a 5' splicing donor site. However, these predictions have yet to be confirmed by functional studies. The variant allele was found at a frequency of 4e-06 in 250524 control chromosomes. The available data on variant occurrences in the general population are insufficient to allow any conclusion about variant significance. To our knowledge, no occurrence of c.4080G>A in individuals affected with Thyroid Dyshormonogenesis 6 and no experimental evidence demonstrating its impact on protein function have been reported. No submitters have cited clinical-significance assessments for this variant to ClinVar. Based on the evidence outlined above, the variant was classified as uncertain significance.